The following is an entry in ClinVar:

ClinVar aggregate classification (germline): Benign/Likely benign. Review status: criteria provided, multiple submitters, no conflicts (2 of 4 stars). 5 submissions from 5 submitters: Benign (1); Likely benign (4). Last evaluated 2025-11-25.

Conditions:
Classic or attenuated familial adenomatous polyposis. Identifiers: MedGen CN372698, MONDO:0021057.
Familial adenomatous polyposis 1 (FAP1). Also called: FAMILIAL ADENOMATOUS POLYPOSIS 1, ATTENUATED; POLYPOSIS, ADENOMATOUS INTESTINAL. Identifiers: MedGen C2713442, MONDO:0021056, OMIM 175100. Disease mechanism: loss of function.
Hereditary cancer-predisposing syndrome. Also called: Neoplastic Syndromes, Hereditary; Tumor predisposition; Hereditary Cancer Syndrome; Hereditary neoplastic syndrome. Identifiers: Orphanet 140162, MedGen C0027672, MeSH D009386, MONDO:0015356.

Allele frequency attached by ClinVar (database versions not stated): gnomAD exomes below 0.00001 and 0.00001; ExAC 0.00001.
gnomAD v4.1: 10 of 1,614,170 alleles (0.00062%); highest among the groups gnomAD compares: Non-Finnish European, 0.00085%; no homozygotes.

Submissions (5):

Labcorp Genetics (formerly Invitae), Labcorp
Classification: Likely benign for Familial adenomatous polyposis 1. Last evaluated: 2025-11-25. Review status: criteria provided, single submitter. Criteria: Invitae Variant Classification Sherloc (09022015). Collection method: clinical testing. Allele origin: germline.

Myriad Genetics, Inc.
Classification: Benign for Familial adenomatous polyposis 1. Last evaluated: 2024-03-15. Review status: criteria provided, single submitter. Criteria: Myriad Autosomal Dominant, Autosomal Recessive and X-Linked Classification Criteria (2023). Collection method: clinical testing. Allele origin: unknown.
Comment: This variant is considered benign. This variant is a silent/synonymous amino acid change and it is not expected to impact splicing.

All of Us Research Program, National Institutes of Health
Classification: Likely benign for Classic or attenuated familial adenomatous polyposis. Last evaluated: 2023-09-04. Review status: criteria provided, single submitter. Criteria: ACMG Guidelines, 2015. Collection method: clinical testing. Allele origin: germline. Inheritance: Autosomal dominant inheritance. Observed: 2 variant alleles, 2 heterozygotes.
Comment: This study involves interpretation of variants in research participants for the purpose of population health screening. Participant phenotype was not available at the time of variant classification. Additional details can be found in publication PMID: 35346344, PMCID: PMC8962531

Color Diagnostics, LLC DBA Color Health
Classification: Likely benign for Hereditary cancer-predisposing syndrome. Last evaluated: 2019-06-18. Review status: criteria provided, single submitter. Criteria: ACMG Guidelines, 2015. Collection method: clinical testing. Allele origin: germline.

Ambry Genetics
Classification: Likely benign for Hereditary cancer-predisposing syndrome. Last evaluated: 2015-07-15. Review status: criteria provided, single submitter. Criteria: Ambry Variant Classification Scheme 2023. Collection method: clinical testing. Allele origin: germline.

NM_000038.6(APC):c.2976T>C (p.Ser992=)

Gene: APC (APC regulator of Wnt signaling pathway; plus strand). Cytogenetic location: 5q22.2.
Variant type: single nucleotide variant.
Coding change: c.2976T>C on transcript NM_000038.6 (MANE Select); coding-DNA position 2976, T replaced by C.
Protein change: p.Ser992=; no amino-acid change (serine 992 retained).
Molecular consequence: synonymous variant.
Genome position (GRCh38, 1-based): chr5:112,838,570, T>C. VCF-style: chr5-112838570-T-C. GRCh37 (hg19) VCF-style: chr5-112174267-T-C.
Other names: c.2976T>C, p.Ser992= (NM_001127510.3, NM_001354895.2); c.2922T>C, p.Ser974= (NM_001127511.3); c.3030T>C, p.Ser1010= (NM_001354896.2); c.3006T>C, p.Ser1002= (NM_001354897.2); c.2901T>C, p.Ser967= (NM_001354898.2); c.2892T>C, p.Ser964= (NM_001354899.2); c.2853T>C, p.Ser951= (NM_001354900.2); c.2799T>C, p.Ser933= (NM_001354901.2); and 5 more.
Identifiers: ClinVar variation 232952 (VCV000232952.17), dbSNP rs776646018, ClinGen allele CA034159.